The following is an entry in ClinVar:

NM_000163.5(GHR):c.1371A>T (p.Gln457His)

Gene: GHR (growth hormone receptor; plus strand). Cytogenetic location: 5p12.
Variant type: single nucleotide variant.
Coding change: c.1371A>T on transcript NM_000163.5 (MANE Select); coding-DNA position 1371, A replaced by T.
Protein change: p.Gln457His; replaces glutamine 457 with histidine.
Molecular consequence: missense variant. On other transcripts: 3 prime UTR variant (1).
Genome position (GRCh38, 1-based): chr5:42,718,878, A>T. VCF-style: chr5-42718878-A-T. GRCh37 (hg19) VCF-style: chr5-42718980-A-T.
Other names: c.1371A>T, p.Gln457His (NM_001242404.2, NM_001242405.2, NM_001242406.2 and 4 more transcripts); c.1305A>T, p.Gln435His (NM_001242460.2); c.*413A>T (NM_001242462.1); c.1392A>T, p.Gln464His (NM_001242399.2); short protein forms Q435H, Q464H, Q457H.
Identifiers: ClinVar variation 3700499 (VCV003700499.2).

ClinVar aggregate classification (germline): Uncertain significance (1 of 4 stars; one submission).

gnomAD v4.1: 2 of 1,613,844 alleles (0.00012%); no homozygotes.

Submission:

Labcorp Genetics (formerly Invitae), Labcorp
Classification: Uncertain significance. Last evaluated: 2025-02-02. Review status: criteria provided, single submitter. Criteria: Invitae Variant Classification Sherloc (09022015). Collection method: clinical testing. Allele origin: germline.
Comment: This sequence change replaces glutamine, which is neutral and polar, with histidine, which is basic and polar, at codon 457 of the GHR protein (p.Gln457His). This variant is not present in population databases (gnomAD no frequency). This variant has not been reported in the literature in individuals affected with GHR-related conditions. Invitae Evidence Modeling of protein sequence and biophysical properties (such as structural, functional, and spatial information, amino acid conservation, physicochemical variation, residue mobility, and thermodynamic stability) indicates that this missense variant is not expected to disrupt GHR protein function with a negative predictive value of 95%. In summary, the available evidence is currently insufficient to determine the role of this variant in disease. Therefore, it has been classified as a Variant of Uncertain Significance.